The following is an entry in ClinVar:

NM_001018111.3(PODXL):c.611C>T (p.Ser204Leu)

Gene: PODXL (podocalyxin like; minus strand). Cytogenetic location: 7q32.3.
Variant type: single nucleotide variant.
Coding change: c.611C>T on transcript NM_001018111.3 (MANE Select); coding-DNA position 611, C replaced by T.
Protein change: p.Ser204Leu; replaces serine 204 with leucine.
Molecular consequence: missense variant.
Genome position (GRCh38, 1-based): chr7:131,510,923, G>A on the plus strand (C>T on the coding strand, the complement: PODXL is on the minus strand). VCF-style: chr7-131510923-G-A. GRCh37 (hg19) VCF-style: chr7-131195682-G-A.
Other names: c.611C>T, p.Ser204Leu (NM_005397.4); c.611C>T (NM_001018111.2); short protein forms S204L.
Identifiers: ClinVar variation 1442154 (VCV001442154.8), dbSNP rs768227094, ClinGen allele CA4488664.

ClinVar aggregate classification (germline): Uncertain significance. Review status: criteria provided, multiple submitters, no conflicts (2 of 4 stars). 2 submissions from 2 submitters: Uncertain significance (2). Last evaluated 2025-06-24.

Conditions:
Inborn genetic diseases. Identifiers: MedGen C0950123, MeSH D030342.

Allele frequency attached by ClinVar (database versions not stated): ExAC 0.00002; gnomAD exomes 0.00003 and 0.00007; TOPMed 0.00006; gnomAD 0.00007.
gnomAD v4.1: 110 of 1,614,018 alleles (0.0068%); highest among the groups gnomAD compares: Admixed American, 0.01%; no homozygotes.

Submissions (2):

Ambry Genetics
Classification: Uncertain significance for Inborn genetic diseases. Last evaluated: 2025-06-24. Review status: criteria provided, single submitter. Criteria: Ambry Variant Classification Scheme 2023. Collection method: clinical testing. Allele origin: germline.

Labcorp Genetics (formerly Invitae), Labcorp
Classification: Uncertain significance. Last evaluated: 2021-10-15. Review status: criteria provided, single submitter. Criteria: Invitae Variant Classification Sherloc (09022015). Collection method: clinical testing. Allele origin: germline.
Comment: This sequence change replaces serine with leucine at codon 204 of the PODXL protein (p.Ser204Leu). The serine residue is weakly conserved and there is a large physicochemical difference between serine and leucine. This variant is present in population databases (rs768227094, ExAC 0.02%). This variant has not been reported in the literature in individuals affected with PODXL-related conditions. Algorithms developed to predict the effect of missense changes on protein structure and function output the following: SIFT: "Tolerated"; PolyPhen-2: "Benign"; Align-GVGD: "Class C0". The leucine amino acid residue is found in multiple mammalian species, which suggests that this missense change does not adversely affect protein function. In summary, the available evidence is currently insufficient to determine the role of this variant in disease. Therefore, it has been classified as a Variant of Uncertain Significance.